The following is an entry in ClinVar:

NM_022124.6(CDH23):c.7059G>T (p.Lys2353Asn)

Gene: CDH23 (cadherin related 23; plus strand). Cytogenetic location: 10q22.1.
Variant type: single nucleotide variant.
Coding change: c.7059G>T on transcript NM_022124.6 (MANE Select); coding-DNA position 7059, G replaced by T.
Protein change: p.Lys2353Asn; replaces lysine 2353 with asparagine.
Molecular consequence: missense variant.
Genome position (GRCh38, 1-based): chr10:71,799,115, G>T. VCF-style: chr10-71799115-G-T. GRCh37 (hg19) VCF-style: chr10-73558872-G-T.
Other names: c.339G>T, p.Lys113Asn (NM_001171933.1, NM_001171934.1); short protein forms K2353N, K113N.
Identifiers: ClinVar variation 1943528 (VCV001943528.4), dbSNP rs759451306, ClinGen allele CA5546260.

ClinVar aggregate classification (germline): Uncertain significance (1 of 4 stars; one submission).

gnomAD v4.1: 11 of 1,612,910 alleles (0.00068%); highest among the groups gnomAD compares: East Asian, 0.0022%; no homozygotes.

Submission:

Labcorp Genetics (formerly Invitae), Labcorp
Classification: Uncertain significance. Last evaluated: 2024-08-31. Review status: criteria provided, single submitter. Criteria: Invitae Variant Classification Sherloc (09022015). Collection method: clinical testing. Allele origin: germline.
Comment: This sequence change replaces lysine, which is basic and polar, with asparagine, which is neutral and polar, at codon 2353 of the CDH23 protein (p.Lys2353Asn). This variant is present in population databases (rs759451306, gnomAD 0.006%). This variant has not been reported in the literature in individuals affected with CDH23-related conditions. ClinVar contains an entry for this variant (Variation ID: 1943528). Invitae Evidence Modeling of protein sequence and biophysical properties (such as structural, functional, and spatial information, amino acid conservation, physicochemical variation, residue mobility, and thermodynamic stability) indicates that this missense variant is not expected to disrupt CDH23 protein function with a negative predictive value of 95%. In summary, the available evidence is currently insufficient to determine the role of this variant in disease. Therefore, it has been classified as a Variant of Uncertain Significance.